The following is an entry in ClinVar:

ClinVar aggregate classification (germline): Benign (1 of 4 stars; one submission).

Allele frequency attached by ClinVar (database versions not stated): gnomAD 0.02190 and 0.02346; 1000 Genomes Project 0.02436; TOPMed 0.02439; 1000 Genomes Project 30x 0.02701.
gnomAD v4.1: 3,293 of 152,326 alleles (2.2%); highest among the groups gnomAD compares: African/African-American, 7.5%; 140 homozygotes.

Submission:

GeneDx
Classification: Benign. Last evaluated: 2018-06-16. Review status: criteria provided, single submitter. Criteria: GeneDx Variant Classification (06012015). Collection method: clinical testing. Allele origin: germline. Affected: yes.
Comment: This variant is considered likely benign or benign based on one or more of the following criteria: it is a conservative change, it occurs at a poorly conserved position in the protein, it is predicted to be benign by multiple in silico algorithms, and/or has population frequency not consistent with disease.

NM_001005373.4(LRSAM1):c.1913-249C>T

Gene: LRSAM1 (leucine rich repeat and sterile alpha motif containing 1; plus strand). Cytogenetic location: 9q34.11.
Variant type: single nucleotide variant.
Coding change: c.1913-249C>T on transcript NM_001005373.4 (MANE Select); 249 bases into the intron before coding-DNA position 1913, C replaced by T.
Molecular consequence: intron variant.
Genome position (GRCh38, 1-based): chr9:127,500,761, C>T. VCF-style: chr9-127500761-C-T. GRCh37 (hg19) VCF-style: chr9-130263040-C-T.
Other names: c.1913-249C>T (NM_138361.5, NM_001384142.1, NM_001005374.4); c.1814-249C>T (NM_001384143.1); c.1832-249C>T (NM_001190723.3); c.1124-249C>T (NM_001384144.1).
Identifiers: ClinVar variation 683146 (VCV000683146.1), dbSNP rs76376186, ClinGen allele CA13075815.